The following is an entry in ClinVar:

ClinVar aggregate classification (germline): Uncertain significance (1 of 4 stars; one submission).

Submission:

GeneDx
Classification: Uncertain significance. Last evaluated: 2025-03-14. Review status: criteria provided, single submitter. Criteria: GeneDx Variant Classification Process June 2021. Collection method: clinical testing. Allele origin: germline. Affected: yes.
Comment: Not observed at significant frequency in large population cohorts (gnomAD); In silico analysis indicates that this missense variant does not alter protein structure/function; Has not been previously published as pathogenic or benign to our knowledge

NM_000453.3(SLC5A5):c.658C>T (p.Leu220Phe)

Gene: SLC5A5 (solute carrier family 5 member 5; plus strand). Cytogenetic location: 19p13.11.
Variant type: single nucleotide variant.
Coding change: c.658C>T on transcript NM_000453.3 (MANE Select); coding-DNA position 658, C replaced by T.
Protein change: p.Leu220Phe; replaces leucine 220 with phenylalanine.
Molecular consequence: missense variant.
Genome position (GRCh38, 1-based): chr19:17,876,066, C>T. VCF-style: chr19-17876066-C-T. GRCh37 (hg19) VCF-style: chr19-17986875-C-T.
Other names: c.391C>T, p.Leu131Phe (NM_001440707.1); short protein forms L131F, L220F.
Identifiers: ClinVar variation 4086540 (VCV004086540.1).
Genomic context (GRCh38, chr19:17,876,066, plus strand): 5'-AGTGGCTTCTGGGTTGTCCTGGCACGCGGTGTCATGCTTGTGGGCGGGCCCCGCCAGGTG[C>T]TCACGCTGGCCCAGAACCACTCCCGGATCAACCTCATGGAGTGAGTGAAAATGCAGAGGA-3'
Protein context (NP_000444.1, residues 210-230): VMLVGGPRQV[Leu220Phe]TLAQNHSRIN